The following is an entry in ClinVar:

ClinVar aggregate classification (germline): Likely pathogenic (1 of 4 stars; one submission).

Conditions:
Dilated cardiomyopathy 1G (CMD1G). Identifiers: Orphanet 154, MedGen C1858763, MONDO:0011400, OMIM 604145.
Autosomal recessive limb-girdle muscular dystrophy type 2J (LGMDR10). Also called: Limb-girdle muscular dystrophy, type 2J; MUSCULAR DYSTROPHY, LIMB-GIRDLE, AUTOSOMAL RECESSIVE 10. Identifiers: Orphanet 140922, MedGen C1837342, MONDO:0012127, OMIM 608807.

Submission:

Labcorp Genetics (formerly Invitae), Labcorp
Classification: Likely pathogenic for Dilated cardiomyopathy 1G; Autosomal recessive limb-girdle muscular dystrophy type 2J. Last evaluated: 2023-12-06. Review status: criteria provided, single submitter. Criteria: Invitae Variant Classification Sherloc (09022015). Collection method: clinical testing. Allele origin: germline.
Comment: This sequence change creates a premature translational stop signal (p.Gln35333Valfs*10) in the TTN gene. While this is not anticipated to result in nonsense mediated decay, it is expected to create a truncated TTN protein. This variant is not present in population databases (gnomAD no frequency). This variant has not been reported in the literature in individuals affected with TTN-related conditions. This variant is located in the M band of TTN (PMID: 25589632). Truncating variants in this region have been previously reported in individuals affected with autosomal recessive myopathy and muscular dystrophy (PMID: 18948003, 23975875, 24395473). Truncating variants in this region have also been identified in individuals affected with autosomal dominant dilated cardiomyopathy and/or cardio-related conditions (PMID: 27869827, 32964742). In summary, the currently available evidence indicates that the variant is pathogenic, but additional data are needed to prove that conclusively. Therefore, this variant has been classified as Likely Pathogenic.

Literature cited by the submitters: PubMed 25589632; PubMed 18948003; PubMed 23975875; PubMed 24395473; PubMed 27869827; PubMed 32964742.

NM_001267550.2(TTN):c.105997_105998del (p.Gln35333fs)

Genes: TTN (titin; minus strand), TTN-AS1 (TTN antisense RNA 1; plus strand). Cytogenetic location: 2q31.2.
Variant type: Deletion.
Coding change: c.105997_105998del on transcript NM_001267550.2 (MANE Select); coding-DNA positions 105997 to 105998, 2 bases deleted (CA; older notation c.105997_105998delCA).
Protein change: p.Gln35333fs; shifts the reading frame from glutamine 35333.
Molecular consequence: frameshift variant.
Genome position (GRCh38, 1-based): chr2:178,530,617-178,530,618, TG deleted on the plus strand (CA on the coding strand, the reverse complement: TTN is on the minus strand). VCF-style (leftmost placement, unchanged base first): chr2-178530616-CTG-C. GRCh37 (hg19) VCF-style: chr2-179395343-CTG-C.
Other names: c.101074_101075del, p.Gln33692fs (NM_001256850.1); c.78802_78803del, p.Gln26268fs (NM_003319.4); c.98293_98294del, p.Gln32765fs (NM_133378.4); c.79177_79178del, p.Gln26393fs (NM_133432.3); c.79378_79379del, p.Gln26460fs (NM_133437.4); short protein forms Q26393fs, Q26460fs, Q26268fs, Q32765fs, Q33692fs, Q35333fs.
Identifiers: ClinVar variation 2946983 (VCV002946983.3), dbSNP rs2468377732, ClinGen allele CA2740095950.
Genomic context (GRCh38, chr2:178,530,616, plus strand): 5'-ATCAGATTCAGTGAGGTTATTGATTTTGAGCTCATAGGTACCATCTGCTGAATAATGAAA[CTG>C]GAAATGCCCATTTTCCTTCAGTTTCTTGCCATCTTTATACCAGGTGACCTCTTTTGCCCT-3'